The following is an entry in ClinVar:

NM_000784.4(CYP27A1):c.390G>A (p.Met130Ile)

Gene: CYP27A1 (cytochrome P450 family 27 subfamily A member 1; plus strand). Cytogenetic location: 2q35.
Variant type: single nucleotide variant.
Coding change: c.390G>A on transcript NM_000784.4 (MANE Select); coding-DNA position 390, G replaced by A.
Protein change: p.Met130Ile; replaces methionine 130 with isoleucine.
Molecular consequence: missense variant.
Genome position (GRCh38, 1-based): chr2:218,809,711, G>A. VCF-style: chr2-218809711-G-A. GRCh37 (hg19) VCF-style: chr2-219674434-G-A.
Other names: short protein forms M130I.
Identifiers: ClinVar variation 1950938 (VCV001950938.2), dbSNP rs2470223627, ClinGen allele CA350583517.

ClinVar aggregate classification (germline): Uncertain significance (1 of 4 stars; one submission).

Conditions:
Cholestanol storage disease (CTX). Also called: CEREBRAL CHOLESTERINOSIS; Cerebrotendinous Xanthomatosis; CTX: Cerebrotendinous xanthomatosis. Identifiers: Orphanet 909, MedGen C0238052, MONDO:0008948, OMIM 213700.

Submission:

Labcorp Genetics (formerly Invitae), Labcorp
Classification: Uncertain significance for Cholestanol storage disease. Last evaluated: 2022-08-19. Review status: criteria provided, single submitter. Criteria: Invitae Variant Classification Sherloc (09022015). Collection method: clinical testing. Allele origin: germline.
Comment: This sequence change replaces methionine, which is neutral and non-polar, with isoleucine, which is neutral and non-polar, at codon 130 of the CYP27A1 protein (p.Met130Ile). This variant is not present in population databases (gnomAD no frequency). This variant has not been reported in the literature in individuals affected with CYP27A1-related conditions. Advanced modeling of protein sequence and biophysical properties (such as structural, functional, and spatial information, amino acid conservation, physicochemical variation, residue mobility, and thermodynamic stability) performed at Invitae indicates that this missense variant is not expected to disrupt CYP27A1 protein function. In summary, the available evidence is currently insufficient to determine the role of this variant in disease. Therefore, it has been classified as a Variant of Uncertain Significance.